The following is an entry in ClinVar:

NM_005236.3(ERCC4):c.499A>G (p.Asn167Asp)

Gene: ERCC4 (ERCC excision repair 4, endonuclease catalytic subunit; plus strand). Cytogenetic location: 16p13.12.
Variant type: single nucleotide variant.
Coding change: c.499A>G on transcript NM_005236.3 (MANE Select); coding-DNA position 499, A replaced by G.
Protein change: p.Asn167Asp; replaces asparagine 167 with aspartic acid.
Molecular consequence: missense variant.
Genome position (GRCh38, 1-based): chr16:13,926,671, A>G. VCF-style: chr16-13926671-A-G. GRCh37 (hg19) VCF-style: chr16-14020528-A-G.
Other names: short protein forms N167D.
Identifiers: ClinVar variation 837122 (VCV000837122.9), dbSNP rs2032078374, ClinGen allele CA394801454.

ClinVar aggregate classification (germline): Uncertain significance (1 of 4 stars; one submission).

Conditions:
Cockayne syndrome. Identifiers: Orphanet 191, MedGen C0009207, MONDO:0016006.
Fanconi anemia complementation group Q. Identifiers: Orphanet 84, MedGen C3808988, MONDO:0014108, OMIM 615272.
Xeroderma pigmentosum, group F (XPF). Also called: XERODERMA PIGMENTOSUM, COMPLEMENTATION GROUP F; XERODERMA PIGMENTOSUM VI; XP, GROUP F; ERCC4-Related Xeroderma Pigmentosum; XERODERMA PIGMENTOSUM, TYPE F; Xeroderma pigmentosum, type 6. Identifiers: MedGen C0268140, MONDO:0010215, OMIM 278760.

Allele frequency attached by ClinVar (database versions not stated): gnomAD exomes below 0.00001.
gnomAD v4.1: 3 of 1,614,090 alleles (0.00019%); highest among the groups gnomAD compares: Non-Finnish European, 0.00017%; no homozygotes.

Submission:

Labcorp Genetics (formerly Invitae), Labcorp
Classification: Uncertain significance for Fanconi anemia complementation group Q; Xeroderma pigmentosum, group F; Cockayne syndrome. Last evaluated: 2024-04-05. Review status: criteria provided, single submitter. Criteria: Invitae Variant Classification Sherloc (09022015). Collection method: clinical testing. Allele origin: germline.
Comment: This sequence change replaces asparagine, which is neutral and polar, with aspartic acid, which is acidic and polar, at codon 167 of the ERCC4 protein (p.Asn167Asp). This variant is not present in population databases (gnomAD no frequency). This variant has not been reported in the literature in individuals affected with ERCC4-related conditions. ClinVar contains an entry for this variant (Variation ID: 837122). Advanced modeling of protein sequence and biophysical properties (such as structural, functional, and spatial information, amino acid conservation, physicochemical variation, residue mobility, and thermodynamic stability) performed at Invitae indicates that this missense variant is not expected to disrupt ERCC4 protein function with a negative predictive value of 80%. In summary, the available evidence is currently insufficient to determine the role of this variant in disease. Therefore, it has been classified as a Variant of Uncertain Significance.